The following is an entry in ClinVar:

NM_000372.5(TYR):c.911_914del (p.His304fs)

Gene: TYR (tyrosinase; plus strand). Cytogenetic location: 11q14.3.
Variant type: Deletion.
Coding change: c.911_914del on transcript NM_000372.5 (MANE Select); coding-DNA positions 911 to 914, 4 bases deleted (ATGA; older notation c.911_914delATGA).
Protein change: p.His304fs; shifts the reading frame from histidine 304.
Molecular consequence: frameshift variant.
Genome position (GRCh38, 1-based): chr11:89,191,293-89,191,296, ATGA deleted. VCF-style (leftmost placement, unchanged base first): chr11-89191292-CATGA-C. GRCh37 (hg19) VCF-style: chr11-88924460-CATGA-C.
Other names: short protein forms H304fs.
Identifiers: ClinVar variation 2735731 (VCV002735731.3), dbSNP rs766996625, ClinGen allele CA6221259.

ClinVar aggregate classification (germline): Pathogenic (1 of 4 stars; one submission).

Allele frequency attached by ClinVar (database versions not stated): gnomAD exomes below 0.00001; TOPMed below 0.00001; ExAC 0.00001.

Submission:

Labcorp Genetics (formerly Invitae), Labcorp
Classification: Pathogenic. Last evaluated: 2024-02-10. Review status: criteria provided, single submitter. Criteria: Invitae Variant Classification Sherloc (09022015). Collection method: clinical testing. Allele origin: germline.
Comment: This sequence change creates a premature translational stop signal (p.His304Profs*14) in the TYR gene. It is expected to result in an absent or disrupted protein product. Loss-of-function variants in TYR are known to be pathogenic (PMID: 23504663). This variant is present in population databases (rs766996625, gnomAD 0.0009%). This premature translational stop signal has been observed in individual(s) with oculocutaneous albinism (PMID: 13680365). This variant is also known as 911delATGA. For these reasons, this variant has been classified as Pathogenic.

Literature cited by the submitters: PubMed 23504663; PubMed 13680365.